The following is an entry in ClinVar:

ClinVar aggregate classification (germline): Uncertain significance (1 of 4 stars; one submission).

Conditions:
Baller-Gerold syndrome (BGS). Also called: CRANIOSYNOSTOSIS WITH RADIAL DEFECTS. Identifiers: Orphanet 1225, MedGen C0265308, MONDO:0009039, OMIM 218600.

Submission:

Labcorp Genetics (formerly Invitae), Labcorp
Classification: Uncertain significance for Baller-Gerold syndrome. Last evaluated: 2024-04-03. Review status: criteria provided, single submitter. Criteria: Invitae Variant Classification Sherloc (09022015). Collection method: clinical testing. Allele origin: germline.
Comment: This sequence change replaces valine, which is neutral and non-polar, with leucine, which is neutral and non-polar, at codon 849 of the RECQL4 protein (p.Val849Leu). The frequency data for this variant in the population databases is considered unreliable, as metrics indicate poor data quality at this position in the gnomAD database. This variant has not been reported in the literature in individuals affected with RECQL4-related conditions. ClinVar contains an entry for this variant (Variation ID: 1009168). Advanced modeling of protein sequence and biophysical properties (such as structural, functional, and spatial information, amino acid conservation, physicochemical variation, residue mobility, and thermodynamic stability) performed at Invitae indicates that this missense variant is not expected to disrupt RECQL4 protein function with a negative predictive value of 80%. In summary, the available evidence is currently insufficient to determine the role of this variant in disease. Therefore, it has been classified as a Variant of Uncertain Significance.

NM_004260.4(RECQL4):c.2545G>T (p.Val849Leu)

Gene: RECQL4 (RecQ like helicase 4; minus strand). Cytogenetic location: 8q24.3.
Variant type: single nucleotide variant.
Coding change: c.2545G>T on transcript NM_004260.4 (MANE Select); coding-DNA position 2545, G replaced by T.
Protein change: p.Val849Leu; replaces valine 849 with leucine.
Molecular consequence: missense variant.
Genome position (GRCh38, 1-based): chr8:144,513,057, C>A on the plus strand (G>T on the coding strand, the complement: RECQL4 is on the minus strand). VCF-style: chr8-144513057-C-A. GRCh37 (hg19) VCF-style: chr8-145738440-C-A.
Other names: short protein forms V849L.
Identifiers: ClinVar variation 1009168 (VCV001009168.5), dbSNP rs201661055, ClinGen allele CA4948191.